The following is an entry in ClinVar:

ClinVar aggregate classification (germline): Pathogenic (1 of 4 stars; one submission).

Conditions:
Glycogen storage disease, type V (GSD5). Also called: MCARDLE DISEASE; MUSCLE GLYCOGEN PHOSPHORYLASE DEFICIENCY; MYOPHOSPHORYLASE DEFICIENCY; PYGM DEFICIENCY; McArdle type glycogen storage disease. Identifiers: Orphanet 368, MedGen C0017924, MONDO:0009293, OMIM 232600.

Submission:

Myriad Genetics, Inc.
Classification: Pathogenic for Glycogen storage disease, type V. Last evaluated: 2023-12-23. Review status: criteria provided, single submitter. Criteria: Myriad Autosomal Dominant, Autosomal Recessive and X-Linked Classification Criteria (2023). Collection method: clinical testing. Allele origin: unknown.
Comment: NM_005609.2(PYGM):c.981_984dupCGAT(A329Rfs*6) is expected to be pathogenic in the context of glycogen storage disease, PYGM-related. This variant is predicted to lead to an abnormal or absent protein product due to the creation of a premature termination codon in PYGM, a gene where loss-of-function variants are known to be pathogenic. Please note: this variant was assessed in the context of healthy population screening.

NM_005609.4(PYGM):c.981_984dup (p.Ala329fs)

Gene: PYGM (glycogen phosphorylase, muscle associated; minus strand). Cytogenetic location: 11q13.1.
Variant type: Duplication.
Coding change: c.981_984dup on transcript NM_005609.4 (MANE Select); coding-DNA positions 981 to 984, 4 bases duplicated (CGAT; older notation c.981_984dupCGAT).
Protein change: p.Ala329fs; shifts the reading frame from alanine 329.
Molecular consequence: frameshift variant.
Genome position (GRCh38, 1-based): chr11:64,754,708-64,754,711, ATCG duplicated on the plus strand (CGAT on the coding strand, the reverse complement: PYGM is on the minus strand); duplicating any 4 consecutive bases within chr11:64,754,708-64,754,712 gives the same sequence; the c. name uses the placement nearest the transcript's 3' end. VCF-style (leftmost placement, unchanged base first): chr11-64754707-C-CATCG. GRCh37 (hg19) VCF-style: chr11-64522179-C-CATCG.
Other names: c.717_720dup, p.Ala241fs (NM_001164716.1); short protein forms A241fs, A329fs.
Identifiers: ClinVar variation 5012603 (VCV005012603.1).